The following is an entry in ClinVar:

NM_130384.3(ATRIP):c.2247C>A (p.Asp749Glu)

Genes: ATRIP (ATR interacting protein; plus strand), ATRIP-TREX1 (ATRIP-TREX1 readthrough; plus strand). Cytogenetic location: 3p21.31.
Variant type: single nucleotide variant.
Coding change: c.2247C>A on transcript NM_130384.3 (MANE Select); coding-DNA position 2247, C replaced by A.
Protein change: p.Asp749Glu; replaces aspartic acid 749 with glutamic acid.
Molecular consequence: missense variant. On other transcripts: non-coding transcript variant (1).
Genome position (GRCh38, 1-based): chr3:48,465,022, C>A. VCF-style: chr3-48465022-C-A. GRCh37 (hg19) VCF-style: chr3-48506421-C-A.
Other names: c.1866C>A, p.Asp622Glu (NM_001271022.2); c.1968C>A, p.Asp656Glu (NM_001271023.2); c.2166C>A, p.Asp722Glu (NM_032166.4); short protein forms D622E, D656E, D722E, D749E.
Identifiers: ClinVar variation 4644574 (VCV004644574.1).

ClinVar aggregate classification (germline): Uncertain significance (1 of 4 stars; one submission).

gnomAD v4.1: 2 of 1,613,874 alleles (0.00012%); highest among the groups gnomAD compares: African/African-American, 0.0027%; no homozygotes.

Submission:

Ambry Genetics
Classification: Uncertain significance. Last evaluated: 2025-11-04. Review status: criteria provided, single submitter. Criteria: Ambry Variant Classification Scheme 2023. Collection method: clinical testing. Allele origin: germline.
Comment: The p.D749E variant (also known as c.2247C>A), located in coding exon 12 of the ATRIP gene, results from a C to A substitution at nucleotide position 2247. The aspartic acid at codon 749 is replaced by glutamic acid, an amino acid with highly similar properties. This amino acid position is conserved. In addition, the in silico prediction for this alteration is inconclusive. Based on the available evidence, the clinical significance of this variant remains unclear.